The following is an entry in ClinVar:

ClinVar aggregate classification (germline): Uncertain significance (1 of 4 stars; one submission).

Conditions:
Familial hemophagocytic lymphohistiocytosis 3 (FHL3). Also called: UNC13D-Related Familial Hemophagocytic Lymphohistiocytosis (UNC13D-fHLH). Identifiers: Orphanet 540, MedGen C1837174, MONDO:0012146, OMIM 608898.

Submission:

Labcorp Genetics (formerly Invitae), Labcorp
Classification: Uncertain significance for Familial hemophagocytic lymphohistiocytosis 3. Last evaluated: 2022-06-17. Review status: criteria provided, single submitter. Criteria: Invitae Variant Classification Sherloc (09022015). Collection method: clinical testing. Allele origin: germline.
Comment: This sequence change replaces arginine, which is basic and polar, with serine, which is neutral and polar, at codon 782 of the UNC13D protein (p.Arg782Ser). This variant is not present in population databases (gnomAD no frequency). This variant has not been reported in the literature in individuals affected with UNC13D-related conditions. Algorithms developed to predict the effect of missense changes on protein structure and function output the following: SIFT: "Not Available"; PolyPhen-2: "Benign"; Align-GVGD: "Not Available". The serine amino acid residue is found in multiple mammalian species, which suggests that this missense change does not adversely affect protein function. In summary, the available evidence is currently insufficient to determine the role of this variant in disease. Therefore, it has been classified as a Variant of Uncertain Significance.

NM_199242.3(UNC13D):c.2346G>C (p.Arg782Ser)

Gene: UNC13D (unc-13 homolog D; minus strand). Cytogenetic location: 17q25.1.
Variant type: single nucleotide variant.
Coding change: c.2346G>C on transcript NM_199242.3 (MANE Select); coding-DNA position 2346, G replaced by C.
Protein change: p.Arg782Ser; replaces arginine 782 with serine.
Molecular consequence: missense variant.
Genome position (GRCh38, 1-based): chr17:75,834,096, C>G on the plus strand (G>C on the coding strand, the complement: UNC13D is on the minus strand). VCF-style: chr17-75834096-C-G. GRCh37 (hg19) VCF-style: chr17-73830177-C-G.
Other names: short protein forms R782S.
Identifiers: ClinVar variation 2007608 (VCV002007608.1), dbSNP rs2545979685, ClinGen allele CA401087502.